The following is an entry in ClinVar:

ClinVar aggregate classification (germline): Pathogenic. Review status: reviewed by expert panel (3 of 4 stars). 5 submissions from 5 submitters: Pathogenic (1). 4 of the submissions do not count toward it. Last evaluated 2025-12-05.

Conditions:
ABCA4-related retinopathy. Also called: ABCA4 retinoapthy; ABCA4-related retinoapthy. Identifiers: MedGen CN322612, MONDO:0800406.
ABCA4-related disorder. Also called: ABCA4-related disorders; ABCA4-related condition. Identifiers: MedGen CN239167.
Age related macular degeneration 2. Also called: MACULOPATHY, AGE-RELATED; MACULAR DEGENERATION, SENILE; MACULOPATHY, AGE-RELATED, 2. Identifiers: MedGen C3495438, MONDO:0007932, OMIM 153800.
Severe early-childhood-onset retinal dystrophy (STGD1). Also called: Stargardt macular dystrophy; Juvenile onset macular degeneration; Stargardt disease 1; STGD; MACULAR DYSTROPHY WITH FLECKS, TYPE 1. Identifiers: Orphanet 364055, Orphanet 827, MedGen C1855465, MeSH D000080362, MONDO:0009549, OMIM 248200.
Cone-rod dystrophy 3 (CORD3). Identifiers: Orphanet 1872, MedGen C1858806, MONDO:0011395, OMIM 604116.
Retinitis pigmentosa 19 (RP19). Also called: ABCA4-Related Retinitis Pigmentosa. Identifiers: Orphanet 791, MedGen C1866422, MONDO:0011137, OMIM 601718.

Allele frequency attached by ClinVar (database versions not stated): gnomAD exomes below 0.00001; gnomAD 0.00001; TOPMed 0.00001.
gnomAD v4.1: 2 of 1,613,608 alleles (0.00012%); highest among the groups gnomAD compares: African/African-American, 0.0027%; no homozygotes.

Submissions (5):

ClinGen ABCA4 Variant Curation Expert Panel, Clingen
Classification: Pathogenic for ABCA4-related retinopathy. Last evaluated: 2025-12-05. Review status: reviewed by expert panel. Criteria: ClinGen ABCA4 ACMG Specifications V1.0.0. Collection method: curation. Allele origin: germline. Inheritance: Autosomal recessive inheritance.
Comment: The NM_000350.3(ABCA4):c.2345G>A (p.Trp782Ter) variant in ABCA4 is a nonsense variant predicted to cause a premature stop codon in biologically relevant exon 15/50 leading to nonsense mediated decay in a gene in which loss-of-function is an established disease mechanism (PVS1). The total minor allele frequency in gnomAD v4.1.0 is 0.000001239 (2/1613608 alleles), which is lower than the ClinGen ABCA4 VCEP’s threshold for PM2_Supporting (<0.0001). The prevalence of the variant in affected individuals is significantly increased compared with the prevalence in controls with an OR of infinity and the CI is 14.02-infinity, which is above the ABCA4 VCEP threshold of ≥5 where the CI does not contain 1 (PS4; PMID: 35120629). In summary, this variant meets the criteria to be classified as pathogenic for ABCA4-related retinopathy based on the ACMG/AMP criteria applied, as specified by the ClinGen ABCA4 VCEP (Specification Version 1): PVS1, PS4, PM2_Supporting.

Labcorp Genetics (formerly Invitae), Labcorp
Classification: Pathogenic. Last evaluated: 2025-12-31. Review status: criteria provided, single submitter. Criteria: Invitae Variant Classification Sherloc (09022015). Collection method: clinical testing. Allele origin: germline. Not counted in ClinVar's aggregate classification.
Comment: This sequence change creates a premature translational stop signal (p.Trp782*) in the ABCA4 gene. It is expected to result in an absent or disrupted protein product. Loss-of-function variants in ABCA4 are known to be pathogenic (PMID: 10958761, 24938718, 25312043, 26780318). This variant is not present in population databases (gnomAD no frequency). This premature translational stop signal has been observed in individual(s) with Stargardt disease (PMID: 23143460, 27874104, 29114839). In at least one individual the data is consistent with being in trans (on the opposite chromosome) from a pathogenic variant. It has also been observed to segregate with disease in related individuals. ClinVar contains an entry for this variant (Variation ID: 498001). For these reasons, this variant has been classified as Pathogenic.

Fulgent Genetics
Classification: Pathogenic for Age related macular degeneration 2; Severe early-childhood-onset retinal dystrophy; Retinitis pigmentosa 19; Cone-rod dystrophy 3. Last evaluated: 2024-06-11. Review status: criteria provided, single submitter. Criteria: ACMG Guidelines, 2015. Collection method: clinical testing. Allele origin: germline. Not counted in ClinVar's aggregate classification.

Blueprint Genetics
Classification: Pathogenic for ABCA4-related disorders. Last evaluated: 2021-06-30. Review status: criteria provided, single submitter. Criteria: ACMG Guidelines, 2015. Collection method: clinical testing. Allele origin: germline. Affected: yes. Observed: 5 variant alleles. Not counted in ClinVar's aggregate classification.

Eurofins Ntd Llc (ga)
Classification: Pathogenic. Last evaluated: 2016-11-11. Review status: criteria provided, single submitter. Criteria: EGL Classification Definitions 2015. Collection method: clinical testing. Allele origin: germline. Observed: 1 variant allele, 1 heterozygote. Not counted in ClinVar's aggregate classification.

Literature cited by the submitters: PubMed 10958761 (cited by Labcorp Genetics (formerly Invitae), Labcorp); PubMed 24938718 (cited by Labcorp Genetics (formerly Invitae), Labcorp); PubMed 25312043 (cited by Labcorp Genetics (formerly Invitae), Labcorp); PubMed 26780318 (cited by Labcorp Genetics (formerly Invitae), Labcorp); PubMed 23143460 (cited by Labcorp Genetics (formerly Invitae), Labcorp and Eurofins Ntd Llc (ga)); PubMed 27874104 (cited by Labcorp Genetics (formerly Invitae), Labcorp); PubMed 29114839 (cited by Labcorp Genetics (formerly Invitae), Labcorp).

NM_000350.3(ABCA4):c.2345G>A (p.Trp782Ter)

Gene: ABCA4 (ATP binding cassette subfamily A member 4; minus strand). Cytogenetic location: 1p22.1.
Variant type: single nucleotide variant.
Coding change: c.2345G>A on transcript NM_000350.3 (MANE Select); coding-DNA position 2345, G replaced by A.
Protein change: p.Trp782Ter; replaces tryptophan 782 with a stop codon.
Molecular consequence: nonsense.
Genome position (GRCh38, 1-based): chr1:94,056,638, C>T on the plus strand (G>A on the coding strand, the complement: ABCA4 is on the minus strand). VCF-style: chr1-94056638-C-T. GRCh37 (hg19) VCF-style: chr1-94522194-C-T.
Other names: NM_000350.3(ABCA4):c.2345G>A; p.Trp782Ter; short protein forms W782*.
Identifiers: ClinVar variation 498001 (VCV000498001.14), dbSNP rs911580078, ClinGen allele CA26844053.